The following is an entry in ClinVar:

ClinVar aggregate classification (germline): Uncertain significance (1 of 4 stars; one submission).

gnomAD v4.1: 2 of 1,614,144 alleles (0.00012%); highest among the groups gnomAD compares: Non-Finnish European, 0.000085%; no homozygotes.

Submission:

Labcorp Genetics (formerly Invitae), Labcorp
Classification: Uncertain significance. Last evaluated: 2025-05-28. Review status: criteria provided, single submitter. Criteria: Invitae Variant Classification Sherloc (09022015). Collection method: clinical testing. Allele origin: germline.
Comment: This sequence change replaces glycine, which is neutral and non-polar, with glutamic acid, which is acidic and polar, at codon 3126 of the KMT2A protein (p.Gly3126Glu). This variant is present in population databases (rs782526178, gnomAD 0.0009%). This variant has not been reported in the literature in individuals affected with KMT2A-related conditions. Invitae Evidence Modeling of protein sequence and biophysical properties (such as structural, functional, and spatial information, amino acid conservation, physicochemical variation, residue mobility, and thermodynamic stability) indicates that this missense variant is not expected to disrupt KMT2A protein function with a negative predictive value of 95%. In summary, the available evidence is currently insufficient to determine the role of this variant in disease. Therefore, it has been classified as a Variant of Uncertain Significance.

NM_001197104.2(KMT2A):c.9377G>A (p.Gly3126Glu)

Gene: KMT2A (lysine methyltransferase 2A; plus strand). Cytogenetic location: 11q23.3.
Variant type: single nucleotide variant.
Coding change: c.9377G>A on transcript NM_001197104.2 (MANE Select); coding-DNA position 9377, G replaced by A.
Protein change: p.Gly3126Glu; replaces glycine 3126 with glutamic acid.
Molecular consequence: missense variant.
Genome position (GRCh38, 1-based): chr11:118,505,269, G>A. VCF-style: chr11-118505269-G-A. GRCh37 (hg19) VCF-style: chr11-118375984-G-A.
Other names: c.9467G>A, p.Gly3156Glu (NM_001412597.1); c.9368G>A, p.Gly3123Glu (NM_005933.4); short protein forms G3123E, G3126E, G3156E.
Identifiers: ClinVar variation 4800575 (VCV004800575.1).